The following is an entry in ClinVar:

NM_012193.4(FZD4):c.470T>A (p.Met157Lys)

Genes: FZD4 (frizzled class receptor 4; minus strand), PRSS23 (serine protease 23; plus strand). Cytogenetic location: 11q14.2.
Variant type: single nucleotide variant.
Coding change: c.470T>A on transcript NM_012193.4 (MANE Select); coding-DNA position 470, T replaced by A.
Protein change: p.Met157Lys; replaces methionine 157 with lysine.
Molecular consequence: missense variant. On other transcripts: non-coding transcript variant (2).
Genome position (GRCh38, 1-based): chr11:86,952,286, A>T on the plus strand (T>A on the coding strand, the complement: FZD4 is on the minus strand). VCF-style: chr11-86952286-A-T. GRCh37 (hg19) VCF-style: chr11-86663328-A-T.
Other names: short protein forms M157K.
Identifiers: ClinVar variation 4709871 (VCV004709871.1).

ClinVar aggregate classification (germline): Likely pathogenic (1 of 4 stars; one submission).

gnomAD v4.1: 2 of 1,614,154 alleles (0.00012%); highest among the groups gnomAD compares: Non-Finnish European, 0.00017%; no homozygotes.

Submission:

Labcorp Genetics (formerly Invitae), Labcorp
Classification: Likely pathogenic. Last evaluated: 2025-10-27. Review status: criteria provided, single submitter. Criteria: Invitae Variant Classification Sherloc (09022015). Collection method: clinical testing. Allele origin: germline.
Comment: This sequence change replaces methionine, which is neutral and non-polar, with lysine, which is basic and polar, at codon 157 of the FZD4 protein (p.Met157Lys). This variant is not present in population databases (gnomAD no frequency). This missense change has been observed in individual(s) with familial exudative vitreoretinopathy (PMID: 21097938; internal data). Invitae Evidence Modeling of protein sequence and biophysical properties (such as structural, functional, and spatial information, amino acid conservation, physicochemical variation, residue mobility, and thermodynamic stability) indicates that this missense variant is not expected to disrupt FZD4 protein function with a negative predictive value of 80%. This variant disrupts the p.Met157 amino acid residue in FZD4. Other variant(s) that disrupt this residue have been determined to be pathogenic (PMID: 15223780). This suggests that this residue is clinically significant, and that variants that disrupt this residue are likely to be disease-causing. In summary, the currently available evidence indicates that the variant is pathogenic, but additional data are needed to prove that conclusively. Therefore, this variant has been classified as Likely Pathogenic.

Literature cited by the submitters: PubMed 21097938; PubMed 15223780.